The following is an entry in ClinVar:

NM_000071.3(CBS):c.1058C>T (p.Thr353Met)

Gene: CBS (cystathionine beta-synthase; minus strand). Cytogenetic location: 21q22.3.
Variant type: single nucleotide variant.
Coding change: c.1058C>T on transcript NM_000071.3 (MANE Select); coding-DNA position 1058, C replaced by T.
Protein change: p.Thr353Met; replaces threonine 353 with methionine.
Molecular consequence: missense variant.
Genome position (GRCh38, 1-based): chr21:43,060,528, G>A on the plus strand (C>T on the coding strand, the complement: CBS is on the minus strand). VCF-style: chr21-43060528-G-A. GRCh37 (hg19) VCF-style: chr21-44480638-G-A.
Other names: p.T353M:ACG>ATG; c.1058C>T, p.Thr353Met (NM_001178008.3, NM_001178009.3, NM_001320298.2); c.743C>T, p.Thr248Met (NM_001321072.1); short protein forms T353M, T248M.
Identifiers: ClinVar variation 131 (VCV000000131.53), dbSNP rs121964972, ClinGen allele CA113902.

ClinVar aggregate classification (germline): Pathogenic. Review status: criteria provided, multiple submitters, no conflicts (2 of 4 stars). 13 submissions from 13 submitters: Pathogenic (11). 2 of the submissions do not count toward it. Last evaluated 2026-08-19.

Conditions:
CBS-related disorder. Also called: CBS-related condition.
Homocystinuria. Identifiers: MedGen C0019880, MONDO:0004737, HP:0002156.
Familial thoracic aortic aneurysm and aortic dissection (TAAD). Also called: Thoracic aortic aneurysms and dissections. Identifiers: Orphanet 91387, MedGen C4707243, MONDO:0019625.
Classic homocystinuria. Also called: HOMOCYSTINURIA WITH OR WITHOUT RESPONSE TO PYRIDOXINE; Homocystinuria due to CBS deficiency; Cystathionine beta-synthase deficiency; CBS deficiency; Homocystinuria due to Cystathionine Beta-Synthase Deficiency. Identifiers: Orphanet 394, MedGen C0751202, MONDO:0009352, OMIM 236200.
Homocystinuria, pyridoxine-nonresponsive. Identifiers: MedGen C4017308.
HYPERHOMOCYSTEINEMIA, THROMBOTIC, CBS-RELATED. Identifiers: MedGen C3150344, OMIM 236200.

Allele frequency attached by ClinVar (database versions not stated): gnomAD exomes 0.00003 and 0.00007; ExAC 0.00001; gnomAD 0.00003.

Submissions (13):

PreventionGenetics, part of Exact Sciences
Classification: Pathogenic for CBS-related condition. Last evaluated: 2026-08-19. Review status: criteria provided, single submitter. Criteria: ACMG Guidelines, 2015. Collection method: clinical testing. Allele origin: germline.
Comment: The CBS c.1058C>T variant is predicted to result in the amino acid substitution p.Thr353Met. This variant has been reported, along with another variant in CBS or in the homozygous state, in multiple individuals with homocystinuria (Dawson et al. 1997. PubMed ID: 9156316; Gaustadnes et al. 2002. PubMed ID: 12124992; Kruger et al. 2003. PubMed ID: 14635102; Urreizti et al. 2006. PubMed ID: 16479318; Cozar et al. 2011. PubMed ID: 21520339; Karaca et al. 2013. PubMed ID: 24211323). In vitro experimental studies have shown that this variant reduces enzyme activity (Dawson et al. 1997. PubMed ID: 9156316; Lee et al. 2005. PubMed ID: 16205833; Mayfield et al. 2012. PubMed ID: 22267502). This variant is reported in 0.029% of alleles in individuals of African descent in gnomAD. This variant is interpreted as pathogenic.

Labcorp Genetics (formerly Invitae), Labcorp
Classification: Pathogenic for HYPERHOMOCYSTEINEMIA, THROMBOTIC, CBS-RELATED. Last evaluated: 2026-01-27. Review status: criteria provided, single submitter. Criteria: Invitae Variant Classification Sherloc (09022015). Collection method: clinical testing. Allele origin: germline.
Comment: This sequence change replaces threonine, which is neutral and polar, with methionine, which is neutral and non-polar, at codon 353 of the CBS protein (p.Thr353Met). This variant is present in population databases (rs121964972, gnomAD 0.03%). This missense change has been observed in individual(s) with homocystinuria (PMID: 9156316, 11774777, 12124992, 14635102, 16205833, 16479318, 21520339, 23812867). ClinVar contains an entry for this variant (Variation ID: 131). Invitae Evidence Modeling of protein sequence and biophysical properties (such as structural, functional, and spatial information, amino acid conservation, physicochemical variation, residue mobility, and thermodynamic stability) has been performed for this missense variant. However, the output from this modeling did not meet the statistical confidence thresholds required to predict the impact of this variant on CBS protein function. Experimental studies have shown that this missense change affects CBS function (PMID: 9156316, 14635102, 22267502). For these reasons, this variant has been classified as Pathogenic.

GeneDx
Classification: Pathogenic. Last evaluated: 2026-01-14. Review status: criteria provided, single submitter. Criteria: GeneDx Variant Classification Process June 2021. Collection method: clinical testing. Allele origin: germline. Affected: yes.
Comment: Functional studies have demonstrated that this variant results in reduced enzymatic activity (Mayfield et al., 2012); In silico analysis suggests that this missense variant does not alter protein structure/function; This variant is associated with the following publications: (PMID: 14635102, 20066033, 17540596, 18849566, 9156316, 23685761, 21520339, 22267502, 21626167, 24211323, 16479318, 12124992, 16205833, 31589614, 23812867, 35046417)

Natera, Inc.
Classification: Pathogenic for Homocystinuria due to cystathionine beta-synthase deficiency. Last evaluated: 2025-08-19. Review status: criteria provided, single submitter. Criteria: Natera Variant Classification Schema (03/2026). Collection method: clinical testing. Allele origin: germline.
Comment: The c.1058C>T variant in CBS is a missense variant predicted to cause substitution of threonine to methionine at amino acid 353. This variant is rare in the general population with a frequency below the threshold expected for the associated phenotype(s). This variant has been observed in one or more individuals affected with the associated recessive disease, as either homozygous or compound heterozygous with a second variant (PMID: 14635102, 21520339). Given the available evidence, this variant is classified as Pathogenic.

Baylor Genetics
Classification: Pathogenic for Classic homocystinuria. Last evaluated: 2024-02-21. Review status: criteria provided, single submitter. Criteria: ACMG Guidelines, 2015. Collection method: clinical testing. Allele origin: unknown.

Blueprint Genetics
Classification: Pathogenic for CBS-related disorders. Last evaluated: 2024-02-16. Review status: criteria provided, single submitter. Criteria: ACMG Guidelines, 2015. Collection method: clinical testing. Allele origin: germline. Affected: yes. Observed: 5 variant alleles.

CeGaT Center for Human Genetics Tuebingen
Classification: Pathogenic. Last evaluated: 2023-08-01. Review status: criteria provided, single submitter. Criteria: CeGaT Center For Human Genetics Tuebingen Variant Classification Criteria Version 2. Collection method: clinical testing. Allele origin: germline. Affected: yes. Observed: 1 variant allele.
Comment: CBS: PM3:Strong, PM1, PM2, PP4:Moderate, PS3:Supporting

Women's Health and Genetics/Laboratory Corporation of America, LabCorp
Classification: Pathogenic for Homocystinuria. Last evaluated: 2022-06-13. Review status: criteria provided, single submitter. Criteria: LabCorp Variant Classification Summary - May 2015. Collection method: clinical testing. Allele origin: germline.
Comment: Variant summary: CBS c.1058C>T (p.Thr353Met) results in a non-conservative amino acid change located in the Pyridoxal-phosphate dependent enzyme domain (IPR001926) of the encoded protein sequence. Four of five in-silico tools predict a damaging effect of the variant on protein function. The variant allele was found at a frequency of 2.9e-05 in 237672 control chromosomes (gnomAD). c.1058C>T has been reported in the literature in multiple individuals affected with Homocystinuria (e.g. Dawson_1997, Trondle_2001, Kruger_2003, Lee_2005). These data indicate that the variant is very likely to be associated with disease. The variants' impact on protein function was evaluated in several different publications using recombinant protein recovered from E. coli cultures (Dawson_1997), yeast (Kruger_2003) and human cell lines (Lee_2005). In all instances, the variant protein had <10% of normal activity. Five ClinVar submitters have assessed the variant since 2014: all five classified the variant as pathogenic. Based on the evidence outlined above, the variant was classified as pathogenic.

Ambry Genetics
Classification: Pathogenic for Familial thoracic aortic aneurysm and aortic dissection. Last evaluated: 2021-08-31. Review status: criteria provided, single submitter. Criteria: Ambry Variant Classification Scheme 2023. Collection method: clinical testing. Allele origin: germline.
Comment: The c.1058C>T (p.T353M) alteration is located in exon 12 (coding exon 10) of the CBS gene. This alteration results from a C to T substitution at nucleotide position 1058, causing the threonine (T) at amino acid position 353 to be replaced by a methionine (M). Based on data from gnomAD, the T allele has an overall frequency of <0.01% (8/269064) total alleles studied. The highest observed frequency was 0.03% (7/24008) of African alleles. This alteration has been reported in the homozygous state and in trans with a second CBS alteration in patients with homocystinuria across various ethnicities (Kruger, 2003; Lee, 2005; Karaca, 2014; Poloni, 2018). In vitro functional studies of this alteration showed a substantial reduction in CBS activity and low growth in yeast assays (Kruger, 2003; Mayfield, 2012). In vitro expression studies of this alteration also demonstrated reduced enzyme activity in COS7 and NIH3T3 cells (Lee, 2005). The in silico prediction for this alteration is inconclusive. Based on the available evidence, this alteration is classified as pathogenic.

Greenwood Genetic Center Diagnostic Laboratories, Greenwood Genetic Center
Classification: Pathogenic. Last evaluated: 2020-07-23. Review status: criteria provided, single submitter. Criteria: ACMG Guidelines, 2015. Collection method: clinical testing. Allele origin: germline. Affected: yes.
Comment: PS3, PM1, PM2, PM3

Eurofins Ntd Llc (ga)
Classification: Pathogenic. Last evaluated: 2013-02-11. Review status: criteria provided, single submitter. Criteria: EGL Classification Definitions. Collection method: clinical testing. Allele origin: germline. Observed: 1 variant allele, 1 homozygote.

OMIM
Classification: Pathogenic for HOMOCYSTINURIA, PYRIDOXINE-NONRESPONSIVE. Last evaluated: 2017-07-18. Review status: no assertion criteria provided. Collection method: literature only. Allele origin: germline. Not counted in ClinVar's aggregate classification.

Counsyl
Classification: Likely pathogenic for Homocystinuria due to CBS deficiency. Last evaluated: 2014-11-21. Review status: no assertion criteria provided. Collection method: literature only. Allele origin: unknown. Inheritance: Autosomal recessive inheritance. Not counted in ClinVar's aggregate classification.

Literature cited by the submitters: PubMed 9156316 (cited by 3 submitters); PubMed 11774777 (cited by Labcorp Genetics (formerly Invitae), Labcorp and Women's Health and Genetics/Laboratory Corporation of America, LabCorp); PubMed 12124992 (cited by Labcorp Genetics (formerly Invitae), Labcorp and Counsyl); PubMed 14635102 (cited by 5 submitters); PubMed 16205833 (cited by 4 submitters); PubMed 16479318 (cited by Labcorp Genetics (formerly Invitae), Labcorp and Counsyl); PubMed 21520339 (cited by 3 submitters); PubMed 23812867 (cited by Labcorp Genetics (formerly Invitae), Labcorp); PubMed 22267502 (cited by 3 submitters); PubMed 24211323 (cited by Ambry Genetics and Counsyl); PubMed 29352562 (cited by Ambry Genetics); PubMed 28583326 (cited by OMIM); PubMed 12686134 (cited by Counsyl).